The following is an entry in ClinVar:

NM_001110556.2(FLNA):c.4340A>G (p.Asp1447Gly)

Gene: FLNA (filamin A; minus strand). Cytogenetic location: Xq28.
Variant type: single nucleotide variant.
Coding change: c.4340A>G on transcript NM_001110556.2 (MANE Select); coding-DNA position 4340, A replaced by G.
Protein change: p.Asp1447Gly; replaces aspartic acid 1447 with glycine.
Molecular consequence: missense variant.
Genome position (GRCh38, 1-based): chrX:154,359,118, T>C on the plus strand (A>G on the coding strand, the complement: FLNA is on the minus strand). VCF-style: chrX-154359118-T-C. GRCh37 (hg19) VCF-style: chrX-153587486-T-C.
Other names: c.4340A>G, p.Asp1447Gly (NM_001456.4); short protein forms D1447G.
Identifiers: ClinVar variation 5021916 (VCV005021916.1).

ClinVar aggregate classification (germline): Uncertain significance (1 of 4 stars; one submission).

Conditions:
Familial thoracic aortic aneurysm and aortic dissection (TAAD). Also called: Thoracic aortic aneurysms and dissections. Identifiers: Orphanet 91387, MedGen C4707243, MONDO:0019625.

Submission:

Ambry Genetics
Classification: Uncertain significance for Familial thoracic aortic aneurysm and aortic dissection. Last evaluated: 2026-08-08. Review status: criteria provided, single submitter. Criteria: Ambry Variant Classification Scheme 2023. Collection method: clinical testing. Allele origin: germline.
Comment: The p.D1447G variant (also known as c.4340A>G), located in coding exon 25 of the FLNA gene, results from an A to G substitution at nucleotide position 4340. The aspartic acid at codon 1447 is replaced by glycine, an amino acid with similar properties. This amino acid position is conserved. In addition, this alteration is predicted to be deleterious by in silico analysis. Based on the available evidence, the clinical significance of this variant remains unclear.